The following is an entry in ClinVar:

ClinVar aggregate classification (germline): Conflicting classifications of pathogenicity. Review status: criteria provided, conflicting classifications (1 of 4 stars). 2 submissions from 2 submitters: Likely pathogenic (1); Uncertain significance (1). Last evaluated 2026-08-20.

Conditions:
Familial cancer of breast. Also called: Hereditary breast cancer; BREAST CANCER, FAMILIAL; hereditary breast carcinoma. Identifiers: Orphanet 227535, MedGen C0346153, MONDO:0016419, OMIM 114480. Disease mechanism: loss of function.
Hereditary cancer-predisposing syndrome. Also called: Hereditary neoplastic syndrome; Neoplastic Syndromes, Hereditary; Tumor predisposition; Hereditary Cancer Syndrome. Identifiers: Orphanet 140162, MedGen C0027672, MeSH D009386, MONDO:0015356.

Allele frequency attached by ClinVar (database versions not stated): gnomAD exomes below 0.00001.
gnomAD v4.1: 2 of 1,606,806 alleles (0.00012%); highest among the groups gnomAD compares: Admixed American, 0.0017%; no homozygotes.

Submissions (2):

Ambry Genetics
Classification: Likely pathogenic for Hereditary cancer-predisposing syndrome. Last evaluated: 2026-08-20. Review status: criteria provided, single submitter. Criteria: Ambry Variant Classification Scheme 2023. Collection method: clinical testing. Allele origin: germline.
Comment: The c.215+5G>C intronic variant results from a G to C substitution 5 nucleotides after coding exon 2 in the BARD1 gene. This nucleotide position is highly conserved in available vertebrate species. In silico splice site analysis predicts that this alteration will weaken the native splice donor site. RNA studies have demonstrated that this variant results in abnormal splicing in the set of samples tested (Ambry internal data). This variant is considered to be rare based on population cohorts in the Genome Aggregation Database (gnomAD). Based on the majority of available evidence to date, this variant is likely to be pathogenic.

Labcorp Genetics (formerly Invitae), Labcorp
Classification: Uncertain significance for Familial cancer of breast. Last evaluated: 2022-03-10. Review status: criteria provided, single submitter. Criteria: Invitae Variant Classification Sherloc (09022015). Collection method: clinical testing. Allele origin: germline.
Comment: In summary, the available evidence is currently insufficient to determine the role of this variant in disease. Therefore, it has been classified as a Variant of Uncertain Significance. Variants that disrupt the consensus splice site are a relatively common cause of aberrant splicing (PMID: 17576681, 9536098). Algorithms developed to predict the effect of sequence changes on RNA splicing suggest that this variant may disrupt the consensus splice site. This variant has not been reported in the literature in individuals affected with BARD1-related conditions. This variant is not present in population databases (gnomAD no frequency). This sequence change falls in intron 2 of the BARD1 gene. It does not directly change the encoded amino acid sequence of the BARD1 protein. It affects a nucleotide within the consensus splice site.

Literature cited by the submitters: PubMed 17576681 (cited by Labcorp Genetics (formerly Invitae), Labcorp); PubMed 9536098 (cited by Labcorp Genetics (formerly Invitae), Labcorp).

NM_000465.4(BARD1):c.215+5G>C

Gene: BARD1 (BRCA1 associated RING domain 1; minus strand). Cytogenetic location: 2q35.
Variant type: single nucleotide variant.
Coding change: c.215+5G>C on transcript NM_000465.4 (MANE Select); 5 bases into the intron after coding-DNA position 215, G replaced by C.
Molecular consequence: intron variant.
Genome position (GRCh38, 1-based): chr2:214,797,056, C>G on the plus strand (G>C on the coding strand, the complement: BARD1 is on the minus strand). VCF-style: chr2-214797056-C-G. GRCh37 (hg19) VCF-style: chr2-215661780-C-G.
Other names: c.215+5G>C (NM_000465.2, NM_001282545.2, NM_001282549.2); c.158+12356G>C (NM_001282548.2); c.159-4611G>C (NM_001282543.2).
Identifiers: ClinVar variation 2047459 (VCV002047459.5), dbSNP rs1474711259, ClinGen allele CA2580065615.